The following is an entry in ClinVar:

NM_001399.5(EDA):c.885_890del (p.Leu296_Val297del)

Gene: EDA (ectodysplasin A; plus strand). Cytogenetic location: Xq13.1.
Variant type: Deletion.
Coding change: c.885_890del on transcript NM_001399.5 (MANE Select); coding-DNA positions 885 to 890, 6 bases deleted (ACTGGT; older notation c.885_890delACTGGT).
Protein change: p.Leu296_Val297del.
Molecular consequence: inframe deletion.
Genome position (GRCh38, 1-based): chrX:70,033,489-70,033,494, ACTGGT deleted; deleting any 6 consecutive bases within chrX:70,033,486-70,033,494 gives the same sequence; the c. name uses the placement nearest the transcript's 3' end. VCF-style (leftmost placement, unchanged base first): chrX-70033485-AGGTACT-A. GRCh37 (hg19) VCF-style: chrX-69253335-AGGTACT-A.
Other names: c.885_890del, p.Leu296_Val297del (NM_001005609.2); c.876_881del, p.Leu293_Val294del (NM_001005612.3).
Identifiers: ClinVar variation 1463491 (VCV001463491.6), dbSNP rs2147516497, ClinGen allele CA2573159014.

ClinVar aggregate classification (germline): Uncertain significance (1 of 4 stars; one submission).

Conditions:
Hypohidrotic X-linked ectodermal dysplasia (XHED). Also called: ECTODERMAL DYSPLASIA, HYPOHIDROTIC, 1; CST SYNDROME; Christ-Siemans-Touraine syndrome; Anhidrotic ectodermal dysplasia X-linked; Christ Siemens Touraine syndrome; ECTODERMAL DYSPLASIA 1. Identifiers: Orphanet 181, Orphanet 238468, MedGen C0162359, MONDO:0010585, OMIM 305100.

Submission:

Labcorp Genetics (formerly Invitae), Labcorp
Classification: Uncertain significance for Hypohidrotic X-linked ectodermal dysplasia. Last evaluated: 2021-02-06. Review status: criteria provided, single submitter. Criteria: Invitae Variant Classification Sherloc (09022015). Collection method: clinical testing. Allele origin: germline.
Comment: In summary, the available evidence is currently insufficient to determine the role of this variant in disease. Therefore, it has been classified as a Variant of Uncertain Significance. Experimental studies and prediction algorithms are not available or were not evaluated, and the functional significance of this variant is currently unknown. This variant has not been reported in the literature in individuals with EDA-related conditions. This variant is not present in population databases (ExAC no frequency). This variant, c.885_890del, results in the deletion of 2 amino acid(s) of the EDA protein (p.Leu296_Val297del), but otherwise preserves the integrity of the reading frame.